The following is an entry in ClinVar:

NM_001322934.2(NFKB2):c.2671T>C (p.Cys891Arg)

Gene: NFKB2 (nuclear factor kappa B subunit 2; plus strand). Cytogenetic location: 10q24.32.
Variant type: single nucleotide variant.
Coding change: c.2671T>C on transcript NM_001322934.2 (MANE Select); coding-DNA position 2671, T replaced by C.
Protein change: p.Cys891Arg; replaces cysteine 891 with arginine.
Molecular consequence: missense variant.
Genome position (GRCh38, 1-based): chr10:102,402,344, T>C. VCF-style: chr10-102402344-T-C. GRCh37 (hg19) VCF-style: chr10-104162101-T-C.
Other names: c.2671T>C, p.Cys891Arg (NM_001077494.3); c.2668T>C, p.Cys890Arg (NM_001261403.3, NM_001288724.1, NM_002502.6); c.2545T>C, p.Cys849Arg (NM_001322935.1); short protein forms C849R, C890R, C891R.
Identifiers: ClinVar variation 1442366 (VCV001442366.6), dbSNP rs1411498190, ClinGen allele CA377906487.

ClinVar aggregate classification (germline): Uncertain significance (1 of 4 stars; one submission).

Conditions:
Immunodeficiency, common variable, 10. Also called: DEFICIT IN ANTERIOR PITUITARY FUNCTION AND VARIABLE IMMUNODEFICIENCY; IMMUNODEFICIENCY, COMMON VARIABLE, WITH CENTRAL ADRENAL INSUFFICIENCY. Identifiers: MedGen C3809991, MONDO:0014260, OMIM 615577.

Allele frequency attached by ClinVar (database versions not stated): gnomAD exomes below 0.00001; gnomAD 0.00001; TOPMed 0.00001.
gnomAD v4.1: 3 of 1,563,730 alleles (0.00019%); highest among the groups gnomAD compares: Non-Finnish European, 0.00026%; no homozygotes.

Submission:

Labcorp Genetics (formerly Invitae), Labcorp
Classification: Uncertain significance for Immunodeficiency, common variable, 10. Last evaluated: 2026-01-11. Review status: criteria provided, single submitter. Criteria: Invitae Variant Classification Sherloc (09022015). Collection method: clinical testing. Allele origin: germline.
Comment: This sequence change replaces cysteine, which is neutral and slightly polar, with arginine, which is basic and polar, at codon 891 of the NFKB2 protein (p.Cys891Arg). This variant is not present in population databases (gnomAD no frequency). This variant has not been reported in the literature in individuals affected with NFKB2-related conditions. ClinVar contains an entry for this variant (Variation ID: 1442366). An algorithm developed to predict the effect of missense changes on protein structure and function (PolyPhen-2) suggests that this variant is likely to be disruptive. In summary, the available evidence is currently insufficient to determine the role of this variant in disease. Therefore, it has been classified as a Variant of Uncertain Significance.